The following is an entry in ClinVar:

ClinVar aggregate classification (germline): Uncertain significance (1 of 4 stars; one submission).

gnomAD v4.1: 4 of 1,612,686 alleles (0.00025%); highest among the groups gnomAD compares: African/African-American, 0.0053%; no homozygotes.

Submission:

Labcorp Genetics (formerly Invitae), Labcorp
Classification: Uncertain significance. Last evaluated: 2024-10-31. Review status: criteria provided, single submitter. Criteria: Invitae Variant Classification Sherloc (09022015). Collection method: clinical testing. Allele origin: germline.
Comment: This sequence change replaces serine, which is neutral and polar, with phenylalanine, which is neutral and non-polar, at codon 1266 of the SON protein (p.Ser1266Phe). This variant is not present in population databases (gnomAD no frequency). This variant has not been reported in the literature in individuals affected with SON-related conditions. An algorithm developed to predict the effect of missense changes on protein structure and function (PolyPhen-2) suggests that this variant is likely to be disruptive. In summary, the available evidence is currently insufficient to determine the role of this variant in disease. Therefore, it has been classified as a Variant of Uncertain Significance.

NM_138927.4(SON):c.3797C>T (p.Ser1266Phe)

Gene: SON (SON DNA and RNA binding protein; plus strand). Cytogenetic location: 21q22.11.
Variant type: single nucleotide variant.
Coding change: c.3797C>T on transcript NM_138927.4 (MANE Select); coding-DNA position 3797, C replaced by T.
Protein change: p.Ser1266Phe; replaces serine 1266 with phenylalanine.
Molecular consequence: missense variant. On other transcripts: non-coding transcript variant (1), intron variant (1).
Genome position (GRCh38, 1-based): chr21:33,553,028, C>T. VCF-style: chr21-33553028-C-T. GRCh37 (hg19) VCF-style: chr21-34925334-C-T.
Other names: c.3797C>T, p.Ser1266Phe (NM_001291411.2, NM_032195.3); c.245-4128C>T (NM_001291412.3); short protein forms S1266F.
Identifiers: ClinVar variation 3677508 (VCV003677508.2).
Genomic context (GRCh38, chr21:33,553,028, plus strand): 5'-TGACTGTTCCAGAACCACCACCAGAGCCAGAATCTTCAATTACGTTAACACCTGTAGAGT[C>T]TGCAGTAGTAGCAGAAGAACATGAAGTTGTTCCAGAGAGACCAGTGACTTGTATGGTATC-3'
Protein context (NP_620305.3, residues 1256-1276): ESSITLTPVE[Ser1266Phe]AVVAEEHEVV